The following is an entry in ClinVar:

ClinVar aggregate classification (germline): Uncertain significance. Review status: criteria provided, multiple submitters, no conflicts (2 of 4 stars). 4 submissions from 4 submitters: Uncertain significance (3). 1 of the submissions does not count toward it. Last evaluated 2024-12-04.

Conditions:
PCNT-related disorder. Also called: PCNT-related condition.
Inborn genetic diseases. Identifiers: MedGen C0950123, MeSH D030342.

Allele frequency attached by ClinVar (database versions not stated): ExAC 0.00002; gnomAD 0.00002 and 0.00003; TOPMed 0.00002; gnomAD exomes 0.00003; ESP Exome Variant Server 0.00008; 1000 Genomes Project 30x 0.00016; 1000 Genomes Project 0.00020.

Submissions (4):

Ambry Genetics
Classification: Uncertain significance for Inborn genetic diseases. Last evaluated: 2024-12-04. Review status: criteria provided, single submitter. Criteria: Ambry Variant Classification Scheme 2023. Collection method: clinical testing. Allele origin: germline.

CeGaT Center for Human Genetics Tuebingen
Classification: Uncertain significance. Last evaluated: 2024-02-01. Review status: criteria provided, single submitter. Criteria: CeGaT Center For Human Genetics Tuebingen Variant Classification Criteria Version 2. Collection method: clinical testing. Allele origin: germline. Affected: yes. Observed: 1 variant allele.
Comment: PCNT: PM2, BP1, BP4

Labcorp Genetics (formerly Invitae), Labcorp
Classification: Uncertain significance. Last evaluated: 2022-07-19. Review status: criteria provided, single submitter. Criteria: Invitae Variant Classification Sherloc (09022015). Collection method: clinical testing. Allele origin: germline.
Comment: This sequence change replaces threonine, which is neutral and polar, with methionine, which is neutral and non-polar, at codon 2439 of the PCNT protein (p.Thr2439Met). This variant is present in population databases (rs141561546, gnomAD 0.007%). This variant has not been reported in the literature in individuals affected with PCNT-related conditions. ClinVar contains an entry for this variant (Variation ID: 1402180). Algorithms developed to predict the effect of missense changes on protein structure and function output the following: SIFT: "Tolerated"; PolyPhen-2: "Benign"; Align-GVGD: "Class C0". The methionine amino acid residue is found in multiple mammalian species, which suggests that this missense change does not adversely affect protein function. In summary, the available evidence is currently insufficient to determine the role of this variant in disease. Therefore, it has been classified as a Variant of Uncertain Significance.

PreventionGenetics, part of Exact Sciences
Classification: Uncertain significance for PCNT-related condition. Last evaluated: 2024-01-31. Review status: no assertion criteria provided. Collection method: clinical testing. Allele origin: germline. Not counted in ClinVar's aggregate classification.
Comment: The PCNT c.7316C>T variant is predicted to result in the amino acid substitution p.Thr2439Met. To our knowledge, this variant has not been reported in the literature. This variant is reported in 0.0062% of alleles in individuals of European (Non-Finnish) descent in gnomAD. At this time, the clinical significance of this variant is uncertain due to the absence of conclusive functional and genetic evidence.

NM_006031.6(PCNT):c.7316C>T (p.Thr2439Met)

Gene: PCNT (pericentrin; plus strand). Cytogenetic location: 21q22.3.
Variant type: single nucleotide variant.
Coding change: c.7316C>T on transcript NM_006031.6 (MANE Select); coding-DNA position 7316, C replaced by T.
Protein change: p.Thr2439Met; replaces threonine 2439 with methionine.
Molecular consequence: missense variant.
Genome position (GRCh38, 1-based): chr21:46,425,967, C>T. VCF-style: chr21-46425967-C-T. GRCh37 (hg19) VCF-style: chr21-47845881-C-T.
Other names: c.7316C>T (NM_006031.5); c.6962C>T, p.Thr2321Met (NM_001315529.2); short protein forms T2439M, T2321M.
Identifiers: ClinVar variation 1402180 (VCV001402180.29), dbSNP rs141561546, ClinGen allele CA10080606.
Genomic context (GRCh38, chr21:46,425,967, plus strand): 5'-AGCCACACCCACCCCGGAAGGAAGACGAGATACAGGACATCTCGCTCCATGGGGGAAAGA[C>T]GCAGGTTTATTTTGCCCTTCACACACTTCTTTTCCAAAGGATTTAAGGAGCTTGTGGTAA-3'
Protein context (NP_006022.3, residues 2429-2449): IQDISLHGGK[Thr2439Met]QEVPTACPDW